The following is an entry in ClinVar:

NM_001735.3(C5):c.4016A>G (p.Glu1339Gly)

Gene: C5 (complement C5; minus strand). Cytogenetic location: 9q33.2.
Variant type: single nucleotide variant.
Coding change: c.4016A>G on transcript NM_001735.3 (MANE Select); coding-DNA position 4016, A replaced by G.
Protein change: p.Glu1339Gly; replaces glutamic acid 1339 with glycine.
Molecular consequence: missense variant.
Genome position (GRCh38, 1-based): chr9:120,974,780, T>C on the plus strand (A>G on the coding strand, the complement: C5 is on the minus strand). VCF-style: chr9-120974780-T-C. GRCh37 (hg19) VCF-style: chr9-123737058-T-C.
Other names: c.4034A>G, p.Glu1345Gly (NM_001317163.2); short protein forms E1345G, E1339G.
Identifiers: ClinVar variation 1398000 (VCV001398000.7), dbSNP rs569871287, ClinGen allele CA5217342.

ClinVar aggregate classification (germline): Uncertain significance. Review status: criteria provided, multiple submitters, no conflicts (2 of 4 stars). 2 submissions from 2 submitters: Uncertain significance (2). Last evaluated 2022-05-04.

Conditions:
Complement component 5 deficiency. Also called: C5 DEFICIENCY. Identifiers: MedGen C0343047, MONDO:0012295, OMIM 609536.
Eculizumab, poor response to. Identifiers: MedGen C3810402, OMIM 615749.

Allele frequency attached by ClinVar (database versions not stated): gnomAD exomes 0.00001 and 0.00002; ExAC 0.00002; gnomAD 0.00012 and 0.00013; TOPMed 0.00012.
gnomAD v4.1: 31 of 1,612,922 alleles (0.0019%); highest among the groups gnomAD compares: African/African-American, 0.032%; no homozygotes.

Submissions (2):

Labcorp Genetics (formerly Invitae), Labcorp
Classification: Uncertain significance. Last evaluated: 2022-05-04. Review status: criteria provided, single submitter. Criteria: Invitae Variant Classification Sherloc (09022015). Collection method: clinical testing. Allele origin: germline.
Comment: This sequence change replaces glutamic acid, which is acidic and polar, with glycine, which is neutral and non-polar, at codon 1339 of the C5 protein (p.Glu1339Gly). This variant is present in population databases (rs569871287, gnomAD 0.03%). This variant has not been reported in the literature in individuals affected with C5-related conditions. Algorithms developed to predict the effect of missense changes on protein structure and function are either unavailable or do not agree on the potential impact of this missense change (SIFT: "Deleterious"; PolyPhen-2: "Possibly Damaging"; Align-GVGD: "Class C0"). Algorithms developed to predict the effect of sequence changes on RNA splicing suggest that this variant may disrupt the consensus splice site. In summary, the available evidence is currently insufficient to determine the role of this variant in disease. Therefore, it has been classified as a Variant of Uncertain Significance.

Fulgent Genetics
Classification: Uncertain significance for Complement component 5 deficiency; Eculizumab, poor response to. Last evaluated: 2022-03-18. Review status: criteria provided, single submitter. Criteria: ACMG Guidelines, 2015. Collection method: clinical testing. Allele origin: unknown.